The following is an entry in ClinVar:

NM_001288705.3(CSF1R):c.2541G>C (p.Glu847Asp)

Gene: CSF1R (colony stimulating factor 1 receptor; minus strand). Cytogenetic location: 5q32.
Variant type: single nucleotide variant.
Coding change: c.2541G>C on transcript NM_001288705.3 (MANE Select); coding-DNA position 2541, G replaced by C.
Protein change: p.Glu847Asp; replaces glutamic acid 847 with aspartic acid.
Molecular consequence: missense variant. On other transcripts: non-coding transcript variant (2).
Genome position (GRCh38, 1-based): chr5:150,056,039, C>G on the plus strand (G>C on the coding strand, the complement: CSF1R is on the minus strand). VCF-style: chr5-150056039-C-G. GRCh37 (hg19) VCF-style: chr5-149435602-C-G.
Other names: c.2541G>C, p.Glu847Asp (NM_001349736.2, NM_001375320.1, NM_005211.4); c.2097G>C, p.Glu699Asp (NM_001375321.1); short protein forms E847D, E699D.
Identifiers: ClinVar variation 162114 (VCV000162114.6), dbSNP rs690016551, ClinGen allele CA346075.

ClinVar aggregate classification (germline): Conflicting classifications of pathogenicity. Review status: criteria provided, conflicting classifications (1 of 4 stars). 3 submissions from 3 submitters: Likely pathogenic (1); Uncertain significance (1). 1 of the submissions does not count toward it. Last evaluated 2025-01-17.

Conditions:
Hereditary diffuse leukoencephalopathy with spheroids. Also called: LEUKOENCEPHALOPATHY, ADULT-ONSET, WITH AXONAL SPHEROIDS AND PIGMENTED GLIA. Identifiers: Orphanet 313808, MedGen C3711381, MONDO:0030796.

Submissions (3):

Labcorp Genetics (formerly Invitae), Labcorp
Classification: Uncertain significance. Last evaluated: 2025-01-17. Review status: criteria provided, single submitter. Criteria: Invitae Variant Classification Sherloc (09022015). Collection method: clinical testing. Allele origin: germline.
Comment: This sequence change replaces glutamic acid, which is acidic and polar, with aspartic acid, which is acidic and polar, at codon 847 of the CSF1R protein (p.Glu847Asp). This variant is not present in population databases (gnomAD no frequency). This missense change has been observed in individuals with hereditary diffuse leukoencephalopathy with spheroids (PMID: 23649896, 28122429). ClinVar contains an entry for this variant (Variation ID: 162114). Invitae Evidence Modeling of protein sequence and biophysical properties (such as structural, functional, and spatial information, amino acid conservation, physicochemical variation, residue mobility, and thermodynamic stability) has been performed for this missense variant. However, the output from this modeling did not meet the statistical confidence thresholds required to predict the impact of this variant on CSF1R protein function. This variant disrupts the p.Glu847 amino acid residue in CSF1R. Other variant(s) that disrupt this residue have been determined to be pathogenic (PMID: 26401554, 30853829). This suggests that this residue is clinically significant, and that variants that disrupt this residue are likely to be disease-causing. In summary, the available evidence is currently insufficient to determine the role of this variant in disease. Therefore, it has been classified as a Variant of Uncertain Significance.

Institute of Human Genetics, University of Leipzig Medical Center
Classification: Likely pathogenic for Leukoencephalopathy, diffuse hereditary, with spheroids 1. Last evaluated: 2017-07-13. Review status: criteria provided, single submitter. Criteria: ACMG Guidelines, 2015. Collection method: clinical testing. Allele origin: germline. Affected: yes. Observed: 1 variant allele.

GeneReviews
No classification provided. Condition: Hereditary diffuse leukoencephalopathy with spheroids. Review status: no classification provided. Collection method: literature only. Allele origin: germline. Affected: yes. Not counted in ClinVar's aggregate classification.

Literature cited by the submitters: PubMed 23649896 (cited by Labcorp Genetics (formerly Invitae), Labcorp and GeneReviews); PubMed 28122429 (cited by Labcorp Genetics (formerly Invitae), Labcorp); PubMed 26401554 (cited by Labcorp Genetics (formerly Invitae), Labcorp); PubMed 30853829 (cited by Labcorp Genetics (formerly Invitae), Labcorp); NCBI Bookshelf NBK100239 (cited by GeneReviews).